The following is an entry in ClinVar:

ClinVar aggregate classification (germline): Likely benign. Review status: criteria provided, multiple submitters, no conflicts (2 of 4 stars). 2 submissions from 2 submitters: Likely benign (2). Last evaluated 2025-06-20.

Conditions:
Charcot-Marie-Tooth disease axonal type 2Z. Also called: CHARCOT-MARIE-TOOTH DISEASE, AXONAL, AUTOSOMAL DOMINANT, TYPE 2Z; CHARCOT-MARIE-TOOTH NEUROPATHY, TYPE 2Z. Identifiers: Orphanet 466768, MedGen C5569025, MONDO:0014736, OMIM 616688.

Allele frequency attached by ClinVar (database versions not stated): gnomAD exomes 0.00001; gnomAD 0.00004; ExAC 0.00001; TOPMed 0.00005.
gnomAD v4.1: 18 of 1,613,434 alleles (0.0011%); highest among the groups gnomAD compares: African/African-American, 0.019%; no homozygotes.

Submissions (2):

Labcorp Genetics (formerly Invitae), Labcorp
Classification: Likely benign for Charcot-Marie-Tooth disease axonal type 2Z. Last evaluated: 2025-06-20. Review status: criteria provided, single submitter. Criteria: Invitae Variant Classification Sherloc (09022015). Collection method: clinical testing. Allele origin: germline.

Women's Health and Genetics/Laboratory Corporation of America, LabCorp
Classification: Likely benign. Last evaluated: 2025-04-28. Review status: criteria provided, single submitter. Criteria: LabCorp Variant Classification Summary - May 2015. Collection method: clinical testing. Allele origin: germline.
Comment: Variant summary: MORC2 c.2381-8A>G alters a non-conserved nucleotide located at a position not widely known to affect splicing. Consensus agreement among computation tools predict no significant impact on normal splicing. However, these predictions have yet to be confirmed by functional studies. The variant allele was found at a frequency of 1.6e-05 in 249978 control chromosomes. The available data on variant occurrences in the general population are insufficient to allow any conclusion about variant significance. To our knowledge, no occurrence of c.2381-8A>G in individuals affected with Charcot-Marie-Tooth disease axonal type 2Z and no experimental evidence demonstrating its impact on protein function have been reported. ClinVar contains an entry for this variant (Variation ID: 2755163). Based on the evidence outlined above, the variant was classified as likely benign.

NM_001303256.3(MORC2):c.2381-8A>G

Gene: MORC2 (MORC family CW-type zinc finger 2; minus strand). Cytogenetic location: 22q12.2.
Variant type: single nucleotide variant.
Coding change: c.2381-8A>G on transcript NM_001303256.3 (MANE Select); 8 bases into the intron before coding-DNA position 2381, A replaced by G.
Molecular consequence: intron variant.
Genome position (GRCh38, 1-based): chr22:30,933,038, T>C on the plus strand (A>G on the coding strand, the complement: MORC2 is on the minus strand). VCF-style: chr22-30933038-T-C. GRCh37 (hg19) VCF-style: chr22-31329025-T-C.
Other names: c.2381-8A>G (NM_001303257.2); c.2195-8A>G (NM_014941.3).
Identifiers: ClinVar variation 2755163 (VCV002755163.5), dbSNP rs778591776, ClinGen allele CA10186656.